The following is an entry in ClinVar:

NM_001943.5(DSG2):c.1536T>C (p.Tyr512=)

Gene: DSG2 (desmoglein 2; plus strand). Cytogenetic location: 18q12.1.
Variant type: single nucleotide variant.
Coding change: c.1536T>C on transcript NM_001943.5 (MANE Select); coding-DNA position 1536, T replaced by C.
Protein change: p.Tyr512=; no amino-acid change (tyrosine 512 retained).
Molecular consequence: synonymous variant.
Genome position (GRCh38, 1-based): chr18:31,536,314, T>C. VCF-style: chr18-31536314-T-C. GRCh37 (hg19) VCF-style: chr18-29116277-T-C.
Identifiers: ClinVar variation 927289 (VCV000927289.10), dbSNP rs952187023, ClinGen allele CA297741517.

ClinVar aggregate classification (germline): Likely benign. Review status: criteria provided, multiple submitters, no conflicts (2 of 4 stars). 4 submissions from 4 submitters: Likely benign (4). Last evaluated 2025-03-18.

Conditions:
Arrhythmogenic right ventricular cardiomyopathy (ARVD). Also called: Arrhythmogenic cardiomyopathy; Cardiomyopathy, ARVC; Arrhythmogenic right ventricular dysplasia; Arrhythmogenic Right Ventricular Cardiomyopathy (ARVC). Identifiers: Orphanet 247, MedGen C0349788, MeSH D019571, MONDO:0016587. Disease mechanism: loss of function. Inheritance: Various modes of inheritance.
Cardiomyopathy (CMYO). Also called: Cardiomyopathies. Identifiers: Orphanet 167848, MedGen C0878544, MONDO:0004994, HP:0001638. Inheritance: Various modes of inheritance.
Cardiovascular phenotype. Identifiers: MedGen CN230736.
Arrhythmogenic right ventricular dysplasia 10. Also called: Arrhythmogenic Right Ventricular Dysplasia/Cardiomyopathy10; ARRHYTHMOGENIC RIGHT VENTRICULAR DYSPLASIA, FAMILIAL, 10; Arrhythmogenic right ventricular dysplasia/cardiomyopathy, type 10. Identifiers: MedGen C1857777, MONDO:0012434, OMIM 610193.

Allele frequency attached by ClinVar (database versions not stated): gnomAD exomes below 0.00001; gnomAD 0.00002 and 0.00003; TOPMed 0.00003.

Submissions (4):

Labcorp Genetics (formerly Invitae), Labcorp
Classification: Likely benign for Arrhythmogenic right ventricular dysplasia 10. Last evaluated: 2025-03-18. Review status: criteria provided, single submitter. Criteria: Invitae Variant Classification Sherloc (09022015). Collection method: clinical testing. Allele origin: germline.

All of Us Research Program, National Institutes of Health
Classification: Likely benign for Arrhythmogenic right ventricular cardiomyopathy. Last evaluated: 2024-09-16. Review status: criteria provided, single submitter. Criteria: ACMG Guidelines, 2015. Collection method: clinical testing. Allele origin: germline. Inheritance: Autosomal dominant inheritance. Observed: 4 variant alleles, 4 heterozygotes.
Comment: This study involves interpretation of variants in research participants for the purpose of population health screening. Participant phenotype was not available at the time of variant classification. Additional details can be found in publication PMID: 35346344, PMCID: PMC8962531

Ambry Genetics
Classification: Likely benign for Cardiovascular phenotype. Last evaluated: 2019-07-16. Review status: criteria provided, single submitter. Criteria: Ambry Variant Classification Scheme 2023. Collection method: clinical testing. Allele origin: germline.

Color Diagnostics, LLC DBA Color Health
Classification: Likely benign for Cardiomyopathy. Last evaluated: 2019-06-22. Review status: criteria provided, single submitter. Criteria: ACMG Guidelines, 2015. Collection method: clinical testing. Allele origin: germline.